The following is an entry in ClinVar:

NM_001206927.2(DNAH8):c.3005A>G (p.Lys1002Arg)

Gene: DNAH8 (dynein axonemal heavy chain 8; plus strand). Cytogenetic location: 6p21.2.
Variant type: single nucleotide variant.
Coding change: c.3005A>G on transcript NM_001206927.2 (MANE Select); coding-DNA position 3005, A replaced by G.
Protein change: p.Lys1002Arg; replaces lysine 1002 with arginine.
Molecular consequence: missense variant.
Genome position (GRCh38, 1-based): chr6:38,803,282, A>G. VCF-style: chr6-38803282-A-G. GRCh37 (hg19) VCF-style: chr6-38771058-A-G.
Other names: c.2354A>G, p.Lys785Arg (NM_001371.4); short protein forms K1002R, K785R.
Identifiers: ClinVar variation 3670034 (VCV003670034.2).
Genomic context (GRCh38, chr6:38,803,282, plus strand): 5'-AGCATGTGGAAGAAGCTGTCAGAGAACTTATATCAATATTTGAGCAGATTTATGAAGTGA[A>G]ATACACTGGGAAAGTAGGAAAACAGTCAGGTAACTTTTCTCGTTACTGTGTTTGAATTAC-3'
Protein context (NP_001193856.1, residues 992-1012): ISIFEQIYEV[Lys1002Arg]YTGKVGKQSE

ClinVar aggregate classification (germline): Uncertain significance (1 of 4 stars; one submission).

Conditions:
Primary ciliary dyskinesia. Also called: Ciliary dyskinesia. Identifiers: Orphanet 244, MedGen C0008780, MONDO:0016575, HP:0012265.

gnomAD v4.1: 78 of 1,604,386 alleles (0.0049%); highest among the groups gnomAD compares: South Asian, 0.081%; 1 homozygote.

Submission:

Labcorp Genetics (formerly Invitae), Labcorp
Classification: Uncertain significance for Primary ciliary dyskinesia. Last evaluated: 2025-01-15. Review status: criteria provided, single submitter. Criteria: Invitae Variant Classification Sherloc (09022015). Collection method: clinical testing. Allele origin: germline.
Comment: This sequence change replaces lysine, which is basic and polar, with arginine, which is basic and polar, at codon 1002 of the DNAH8 protein (p.Lys1002Arg). This variant is present in population databases (rs562397332, gnomAD 0.1%). This variant has not been reported in the literature in individuals affected with DNAH8-related conditions. Experimental studies and prediction algorithms are not available or were not evaluated, and the functional significance of this variant is currently unknown. In summary, the available evidence is currently insufficient to determine the role of this variant in disease. Therefore, it has been classified as a Variant of Uncertain Significance.